The following is an entry in ClinVar:

NM_001365951.3(KIF1B):c.2440A>G (p.Thr814Ala)

Gene: KIF1B (kinesin family member 1B; plus strand). Cytogenetic location: 1p36.22.
Variant type: single nucleotide variant.
Coding change: c.2440A>G on transcript NM_001365951.3 (MANE Select); coding-DNA position 2440, A replaced by G.
Protein change: p.Thr814Ala; replaces threonine 814 with alanine.
Molecular consequence: missense variant.
Genome position (GRCh38, 1-based): chr1:10,323,965, A>G. VCF-style: chr1-10323965-A-G. GRCh37 (hg19) VCF-style: chr1-10384023-A-G.
Other names: c.2440A>G, p.Thr814Ala (NM_001365952.1); c.2302A>G, p.Thr768Ala (NM_015074.3); short protein forms T768A, T814A.
Identifiers: ClinVar variation 2497122 (VCV002497122.3), dbSNP rs2521622677, ClinGen allele CA338334684.

ClinVar aggregate classification (germline): Uncertain significance (1 of 4 stars; one submission).

Submission:

Ambry Genetics
Classification: Uncertain significance. Last evaluated: 2025-09-29. Review status: criteria provided, single submitter. Criteria: Ambry Variant Classification Scheme 2023. Collection method: clinical testing. Allele origin: germline.
Comment: The p.T768A variant (also known as c.2302A>G), located in coding exon 22 of the KIF1B gene, results from an A to G substitution at nucleotide position 2302. The threonine at codon 768 is replaced by alanine, an amino acid with similar properties. This amino acid position is conserved. In addition, this alteration is predicted to be tolerated by in silico analysis. Since supporting evidence is limited at this time, the clinical significance of this alteration remains unclear.